The following is an entry in ClinVar:

ClinVar aggregate classification (germline): Conflicting classifications of pathogenicity. Review status: criteria provided, conflicting classifications (1 of 4 stars). 3 submissions from 3 submitters: Uncertain significance (2); Likely benign (1). Last evaluated 2025-01-03.

Conditions:
Hereditary breast ovarian cancer syndrome. Also called: Hereditary breast and ovarian cancer syndrome (HBOC); Breast and ovarian cancer; BRCA1- and BRCA2-Associated Hereditary Breast and Ovarian Cancer; Hereditary breast and/or ovarian cancer syndrome; Hereditary breast and ovarian cancer; Hereditary breast and ovarian cancer syndrome. Identifiers: Orphanet 145, MedGen C0677776, MeSH D061325, MONDO:0003582. Disease mechanism: loss of function.
Hereditary cancer-predisposing syndrome. Also called: Hereditary Cancer Syndrome; Hereditary neoplastic syndrome; Neoplastic Syndromes, Hereditary; Tumor predisposition. Identifiers: Orphanet 140162, MedGen C0027672, MeSH D009386, MONDO:0015356.

Submissions (3):

Ambry Genetics
Classification: Uncertain significance for Hereditary cancer-predisposing syndrome. Last evaluated: 2025-01-03. Review status: criteria provided, single submitter. Criteria: Ambry Variant Classification Scheme 2023. Collection method: clinical testing. Allele origin: germline.
Comment: The p.S2071G variant (also known as c.6211A>G), located in coding exon 10 of the BRCA2 gene, results from an A to G substitution at nucleotide position 6211. The serine at codon 2071 is replaced by glycine, an amino acid with similar properties. This variant was observed in 1/7051 unselected female breast cancer patients and was also observed in 1/11241 female controls of Japanese ancestry (Momozawa Y et al. Nat Commun, 2018 Oct;9:4083). This amino acid position is well conserved in available vertebrate species. In addition, the in silico prediction for this alteration is inconclusive. Based on the available evidence, the clinical significance of this variant remains unclear.

Labcorp Genetics (formerly Invitae), Labcorp
Classification: Uncertain significance for Hereditary breast ovarian cancer syndrome. Last evaluated: 2024-08-01. Review status: criteria provided, single submitter. Criteria: Invitae Variant Classification Sherloc (09022015). Collection method: clinical testing. Allele origin: germline.
Comment: This sequence change replaces serine, which is neutral and polar, with glycine, which is neutral and non-polar, at codon 2071 of the BRCA2 protein (p.Ser2071Gly). This variant is not present in population databases (gnomAD no frequency). This missense change has been observed in individual(s) with breast cancer (PMID: 30287823). ClinVar contains an entry for this variant (Variation ID: 1432148). Advanced modeling of protein sequence and biophysical properties (such as structural, functional, and spatial information, amino acid conservation, physicochemical variation, residue mobility, and thermodynamic stability) performed at Invitae indicates that this missense variant is not expected to disrupt BRCA2 protein function with a negative predictive value of 95%. In summary, the available evidence is currently insufficient to determine the role of this variant in disease. Therefore, it has been classified as a Variant of Uncertain Significance.

University of Washington Department of Laboratory Medicine, University of Washington
Classification: Likely benign for Hereditary cancer-predisposing syndrome. Last evaluated: 2023-03-23. Review status: criteria provided, single submitter. Criteria: Dines et al. (Genet Med. 2020). Collection method: curation. Allele origin: germline.
Comment: Missense variant in a coldspot region where missense variants are very unlikely to be pathogenic (PMID:31911673).

BRCA2 exon 11 coldspot. Reclassification based on statistical prior probability.

Literature cited by the submitters: PubMed 30287823 (cited by Ambry Genetics and Labcorp Genetics (formerly Invitae), Labcorp).

NM_000059.4(BRCA2):c.6211A>G (p.Ser2071Gly)

Gene: BRCA2 (BRCA2 DNA repair associated; plus strand). Cytogenetic location: 13q13.1.
Variant type: single nucleotide variant.
Coding change: c.6211A>G on transcript NM_000059.4 (MANE Select); coding-DNA position 6211, A replaced by G.
Protein change: p.Ser2071Gly; replaces serine 2071 with glycine.
Molecular consequence: missense variant.
Genome position (GRCh38, 1-based): chr13:32,340,566, A>G. VCF-style: chr13-32340566-A-G. GRCh37 (hg19) VCF-style: chr13-32914703-A-G.
Other names: c.6211A>G (NM_000059.3); short protein forms S2071G.
Identifiers: ClinVar variation 1432148 (VCV001432148.10), dbSNP rs80358860, ClinGen allele CA387788855.
Genomic context (GRCh38, chr13:32,340,566, plus strand): 5'-AATTCATCTGCTTTCTCTGGATTTAGTACAGCAAGTGGAAAGCAAGTTTCCATTTTAGAA[A>G]GTTCCTTACACAAAGTTAAGGGAGTGTTAGAGGAATTTGATTTAATCAGAACTGAGCATA-3'
Protein context (NP_000050.3, residues 2061-2081): ASGKQVSILE[Ser2071Gly]SLHKVKGVLE